The following is an entry in ClinVar:

ClinVar aggregate classification (germline): Pathogenic. Review status: reviewed by expert panel (3 of 4 stars). 2 submissions from 2 submitters: Pathogenic (1). 1 of the submissions does not count toward it. Last evaluated 2017-12-15.

Conditions:
Breast-ovarian cancer, familial, susceptibility to, 2 (BROVCA2). Also called: BRCA2 Hereditary Breast and Ovarian Cancer. Identifiers: Orphanet 145, MedGen C2675520, MONDO:0012933, OMIM 612555. Disease mechanism: loss of function.

Submissions (2):

Evidence-based Network for the Interpretation of Germline Mutant Alleles (ENIGMA)
Classification: Pathogenic for Breast-ovarian cancer, familial, susceptibility to, 2. Last evaluated: 2017-12-15. Review status: reviewed by expert panel. Criteria: ENIGMA BRCA1/2 Classification Criteria (2017-06-29). Collection method: curation. Allele origin: germline. Study: ENIGMA.
Comment: Variant allele predicted to encode a truncated non-functional protein.

GeneDx
Classification: Pathogenic. Last evaluated: 2015-11-16. Review status: criteria provided, single submitter. Criteria: GeneDx Variant Classification (06012015). Collection method: clinical testing. Allele origin: germline. Affected: yes. Not counted in ClinVar's aggregate classification.
Comment: This deletion of one nucleotide in BRCA2 is denoted c.2045delT at the cDNA level and p.Ile682ThrfsX48 (I682TfsX48) at the protein level. Using alternate nomenclature, this variant would be defined as BRCA2 2273delT. The normal sequence, with the base that is deleted in braces, is GTAA[T]CTCT. The deletion causes a frameshift, which changes an Isoleucine to a Threonine at codon 682, and creates a premature stop codon at position 48 of the new reading frame. Although this variant has not, to our knowledge, been reported in the literature, it is predicted to cause loss of normal protein function through either protein truncation or nonsense-mediated mRNA decay. Based on the currently available information, we consider this deletion to be pathogenic.

NM_000059.4(BRCA2):c.2045del (p.Ile682fs)

Gene: BRCA2 (BRCA2 DNA repair associated; plus strand). Cytogenetic location: 13q13.1.
Variant type: Deletion.
Coding change: c.2045del on transcript NM_000059.4 (MANE Select); coding-DNA position 2045, one base deleted (T; older notation c.2045delT).
Protein change: p.Ile682fs; shifts the reading frame from isoleucine 682.
Molecular consequence: frameshift variant.
Genome position (GRCh38, 1-based): chr13:32,336,400, T deleted. VCF-style (leftmost placement, unchanged base first): chr13-32336399-AT-A. GRCh37 (hg19) VCF-style: chr13-32910536-AT-A.
Other names: c.2045delT (NM_000059.3); short protein forms I682fs.
Identifiers: ClinVar variation 246150 (VCV000246150.2), dbSNP rs879254122, ClinGen allele CA10584440.
Genomic context (GRCh38, chr13:32,336,399, plus strand): 5'-TCTTTTGGGACAATTCTGAGGAAATGTTCTAGAAATGAAACATGTTCTAATAATACAGTA[AT>A]CTCTCAGGATCTTGATTATAAAGAAGCAAAATGTAATAAGGAAAAACTACAGTTATTTAT-3'